The following is an entry in ClinVar:

ClinVar aggregate classification (germline): Uncertain significance (1 of 4 stars; one submission).

gnomAD v4.1: 7 of 1,614,074 alleles (0.00043%); highest among the groups gnomAD compares: African/African-American, 0.0093%; no homozygotes.

Submission:

Labcorp Genetics (formerly Invitae), Labcorp
Classification: Uncertain significance. Last evaluated: 2025-05-26. Review status: criteria provided, single submitter. Criteria: Invitae Variant Classification Sherloc (09022015). Collection method: clinical testing. Allele origin: germline.
Comment: This sequence change replaces glutamic acid, which is acidic and polar, with valine, which is neutral and non-polar, at codon 919 of the EFL1 protein (p.Glu919Val). This variant is present in population databases (rs766551197, gnomAD 0.01%). This variant has not been reported in the literature in individuals affected with EFL1-related conditions. An algorithm developed to predict the effect of missense changes on protein structure and function (PolyPhen-2) suggests that this variant is likely to be tolerated. In summary, the available evidence is currently insufficient to determine the role of this variant in disease. Therefore, it has been classified as a Variant of Uncertain Significance.

NM_024580.6(EFL1):c.2756A>T (p.Glu919Val)

Gene: EFL1 (elongation factor like GTPase 1; minus strand). Cytogenetic location: 15q25.2.
Variant type: single nucleotide variant.
Coding change: c.2756A>T on transcript NM_024580.6 (MANE Select); coding-DNA position 2756, A replaced by T.
Protein change: p.Glu919Val; replaces glutamic acid 919 with valine.
Molecular consequence: missense variant. On other transcripts: non-coding transcript variant (1).
Genome position (GRCh38, 1-based): chr15:82,151,698, T>A on the plus strand (A>T on the coding strand, the complement: EFL1 is on the minus strand). VCF-style: chr15-82151698-T-A. GRCh37 (hg19) VCF-style: chr15-82444039-T-A.
Other names: c.2603A>T, p.Glu868Val (NM_001040610.3); c.1967A>T, p.Glu656Val (NM_001322844.2); c.2756A>T, p.Glu919Val (NM_001322845.2); short protein forms E656V, E868V, E919V.
Identifiers: ClinVar variation 4702226 (VCV004702226.1).